The following is an entry in ClinVar:

NM_201384.3(PLEC):c.3841-62A>G

Gene: PLEC (plectin; minus strand). Cytogenetic location: 8q24.3.
Variant type: single nucleotide variant.
Coding change: c.3841-62A>G on transcript NM_201384.3 (MANE Select); 62 bases into the intron before coding-DNA position 3841, A replaced by G.
Molecular consequence: intron variant.
Genome position (GRCh38, 1-based): chr8:143,927,143, T>C on the plus strand (A>G on the coding strand, the complement: PLEC is on the minus strand). VCF-style: chr8-143927143-T-C. GRCh37 (hg19) VCF-style: chr8-145001311-T-C.
Other names: c.3922-62A>G (NM_000445.5); c.3799-62A>G (NM_201378.4); c.3775-62A>G (NM_201379.3); c.4252-62A>G (NM_201380.4); c.3745-62A>G (NM_201381.3); c.3841-62A>G (NM_201382.4); c.3853-62A>G (NM_201383.3).
Identifiers: ClinVar variation 667885 (VCV000667885.2), dbSNP rs55812715, ClinGen allele CA12780799.

ClinVar aggregate classification (germline): Benign. Review status: criteria provided, multiple submitters, no conflicts (2 of 4 stars). 2 submissions from 2 submitters: Benign (2). Last evaluated 2018-06-19.

Allele frequency attached by ClinVar (database versions not stated): 1000 Genomes Project 30x 0.22923; 1000 Genomes Project 0.23083; TOPMed 0.28153; gnomAD 0.29925 and 0.30106; gnomAD exomes 0.39580.
gnomAD v4.1: 603,321 of 1,562,262 alleles (39%); highest among the groups gnomAD compares: Non-Finnish European, 42%; 123,125 homozygotes.

Submissions (2):

GeneDx
Classification: Benign. Last evaluated: 2018-06-19. Review status: criteria provided, single submitter. Criteria: GeneDx Variant Classification (06012015). Collection method: clinical testing. Allele origin: germline. Affected: yes.
Comment: This variant is considered likely benign or benign based on one or more of the following criteria: it is a conservative change, it occurs at a poorly conserved position in the protein, it is predicted to be benign by multiple in silico algorithms, and/or has population frequency not consistent with disease.

Breakthrough Genomics
Classification: Benign. Review status: criteria provided, single submitter. Criteria: ACMG Guidelines, 2015. Collection method: not provided. Allele origin: germline. Inheritance: Autosomal recessive inheritance. Affected: yes.